The following is an entry in ClinVar:

ClinVar aggregate classification (germline): Benign/Likely benign. Review status: criteria provided, multiple submitters, no conflicts (2 of 4 stars). 5 submissions from 5 submitters: Benign (2); Likely benign (3). Last evaluated 2026-01-08.

Allele frequency attached by ClinVar (database versions not stated): gnomAD 0.00017 and 0.00027; gnomAD exomes 0.00022 and 0.00070; TOPMed 0.00029; ExAC 0.00068; 1000 Genomes Project 30x 0.00234; 1000 Genomes Project 0.00260.
gnomAD v4.1: 365 of 1,613,720 alleles (0.023%); highest among the groups gnomAD compares: East Asian, 0.76%; 3 homozygotes.

Submissions (5):

Labcorp Genetics (formerly Invitae), Labcorp
Classification: Benign. Last evaluated: 2026-01-08. Review status: criteria provided, single submitter. Criteria: Invitae Variant Classification Sherloc (09022015). Collection method: clinical testing. Allele origin: germline.

Blueprint Genetics
Classification: Likely benign. Last evaluated: 2024-11-19. Review status: criteria provided, single submitter. Criteria: ACMG Guidelines, 2015. Collection method: clinical testing. Allele origin: germline.

CeGaT Center for Human Genetics Tuebingen
Classification: Likely benign. Last evaluated: 2024-02-01. Review status: criteria provided, single submitter. Criteria: CeGaT Center For Human Genetics Tuebingen Variant Classification Criteria Version 2. Collection method: clinical testing. Allele origin: germline. Affected: yes. Observed: 1 variant allele.
Comment: CACNA1D: BP4, BP7

GeneDx
Classification: Likely benign. Last evaluated: 2021-04-12. Review status: criteria provided, single submitter. Criteria: GeneDx Variant Classification Process June 2021. Collection method: clinical testing. Allele origin: germline. Affected: yes.

Laboratory for Molecular Medicine, Mass General Brigham Personalized Medicine
Classification: Benign. Last evaluated: 2016-03-03. Review status: criteria provided, single submitter. Criteria: LMM Criteria. Collection method: clinical testing. Allele origin: germline. Observed: 4 variant alleles.
Comment: p.Cys971Cys in exon 23 of CACNA1D: This variant is not expected to have clinical significance because it does not alter an amino acid residue, it is not located within the splice consensus sequence, and it has been identified in 0.9% (82/86 54) of East Asian chromosomes by the Exome Aggregation Consortium (ExAC; dbSNP rs147169370).

NM_001128840.3(CACNA1D):c.2853C>T (p.Cys951=)

Gene: CACNA1D (calcium voltage-gated channel subunit alpha1 D; plus strand). Cytogenetic location: 3p21.1.
Variant type: single nucleotide variant.
Coding change: c.2853C>T on transcript NM_001128840.3 (MANE Select); coding-DNA position 2853, C replaced by T.
Protein change: p.Cys951=; no amino-acid change (cysteine 951 retained).
Molecular consequence: synonymous variant.
Genome position (GRCh38, 1-based): chr3:53,743,052, C>T. VCF-style: chr3-53743052-C-T. GRCh37 (hg19) VCF-style: chr3-53777079-C-T.
Other names: c.2913C>T, p.Cys971= (NM_000720.4); c.2853C>T, p.Cys951= (NM_001128839.3).
Identifiers: ClinVar variation 226471 (VCV000226471.36), dbSNP rs147169370, ClinGen allele CA2454377.
Genomic context (GRCh38, chr3:53,743,052, plus strand): 5'-TCCATGATTCTGCTTCTAGATGACAACTTTTGGAGCTTTCCTCCACAAAGGGGCCTTCTG[C>T]AGGAACTACTTCAATTTGCTGGATATGCTGGTGGTTGGGGTGTCTCTGGTGTCATTTGGG-3'
Protein context (NP_001122312.1, residues 941-961): FGAFLHKGAF[Cys951=]RNYFNLLDML